The following is an entry in ClinVar:

ClinVar aggregate classification (germline): Uncertain significance. Review status: criteria provided, multiple submitters, no conflicts (2 of 4 stars). 3 submissions from 3 submitters: Uncertain significance (3). Last evaluated 2025-02-14.

Conditions:
Inborn genetic diseases. Identifiers: MedGen C0950123, MeSH D030342.
Autosomal recessive limb-girdle muscular dystrophy type 2A (LGMDR1). Also called: LEYDEN-MOEBIUS MUSCULAR DYSTROPHY; MUSCULAR DYSTROPHY, PELVOFEMORAL; Limb-girdle muscular dystrophy, type 2A; Calpainopathy; Muscular dystrophy, limb-girdle, type 2A, Amish. Identifiers: Orphanet 267, MedGen C1869123, MONDO:0009675, OMIM 253600. Disease mechanism: loss of function.

Allele frequency attached by ClinVar (database versions not stated): gnomAD exomes below 0.00001; gnomAD 0.00001; TOPMed 0.00001.
gnomAD v4.1: 3 of 1,614,014 alleles (0.00019%); highest among the groups gnomAD compares: Admixed American, 0.0033%; no homozygotes.

Submissions (3):

Ambry Genetics
Classification: Uncertain significance for Inborn genetic diseases. Last evaluated: 2025-02-14. Review status: criteria provided, single submitter. Criteria: Ambry Variant Classification Scheme 2023. Collection method: clinical testing. Allele origin: germline.

Labcorp Genetics (formerly Invitae), Labcorp
Classification: Uncertain significance for Autosomal recessive limb-girdle muscular dystrophy type 2A. Last evaluated: 2021-09-01. Review status: criteria provided, single submitter. Criteria: Invitae Variant Classification Sherloc (09022015). Collection method: clinical testing. Allele origin: germline.
Comment: This sequence change replaces isoleucine with serine at codon 783 of the CAPN3 protein (p.Ile783Ser). The isoleucine residue is highly conserved and there is a large physicochemical difference between isoleucine and serine. This variant is not present in population databases (ExAC no frequency). This variant has not been reported in the literature in individuals affected with CAPN3-related conditions. ClinVar contains an entry for this variant (Variation ID: 497170). Algorithms developed to predict the effect of missense changes on protein structure and function (SIFT, PolyPhen-2, Align-GVGD) all suggest that this variant is likely to be disruptive. In summary, the available evidence is currently insufficient to determine the role of this variant in disease. Therefore, it has been classified as a Variant of Uncertain Significance.

Eurofins Ntd Llc (ga)
Classification: Uncertain significance. Last evaluated: 2016-10-03. Review status: criteria provided, single submitter. Criteria: EGL Classification Definitions 2015. Collection method: clinical testing. Allele origin: germline. Observed: 1 variant allele, 1 heterozygote.

NM_000070.3(CAPN3):c.2348T>G (p.Ile783Ser)

Gene: CAPN3 (calpain 3; plus strand). Cytogenetic location: 15q15.1.
Variant type: single nucleotide variant.
Coding change: c.2348T>G on transcript NM_000070.3 (MANE Select); coding-DNA position 2348, T replaced by G.
Protein change: p.Ile783Ser; replaces isoleucine 783 with serine.
Molecular consequence: missense variant.
Genome position (GRCh38, 1-based): chr15:42,410,968, T>G. VCF-style: chr15-42410968-T-G. GRCh37 (hg19) VCF-style: chr15-42703166-T-G.
Other names: c.2348T>G (NM_000070.2); c.2330T>G, p.Ile777Ser (NM_024344.2); c.2072T>G, p.Ile691Ser (NM_173087.2); c.812T>G, p.Ile271Ser (NM_173088.2); c.353T>G, p.Ile118Ser (NM_173089.2, NM_173090.2); short protein forms I783S, I777S, I118S, I691S, I271S.
Identifiers: ClinVar variation 497170 (VCV000497170.10), dbSNP rs1309223901, ClinGen allele CA392002142.